The following is an entry in ClinVar:

NM_016222.4(DDX41):c.1110G>A (p.Gln370=)

Gene: DDX41 (DEAD-box helicase 41; minus strand). Cytogenetic location: 5q35.3.
Variant type: single nucleotide variant.
Coding change: c.1110G>A on transcript NM_016222.4 (MANE Select); coding-DNA position 1110, G replaced by A.
Protein change: p.Gln370=; no amino-acid change (glutamine 370 retained).
Molecular consequence: synonymous variant.
Genome position (GRCh38, 1-based): chr5:177,513,473, C>T on the plus strand (G>A on the coding strand, the complement: DDX41 is on the minus strand). VCF-style: chr5-177513473-C-T. GRCh37 (hg19) VCF-style: chr5-176940474-C-T.
Other names: c.1110G>A (NM_016222.3, NM_016222.2); c.732G>A, p.Gln244= (NM_001321732.2, NM_001321830.2).
Identifiers: ClinVar variation 2747945 (VCV002747945.6), dbSNP rs773047033, ClinGen allele CA3584877.
Genomic context (GRCh38, chr5:177,513,473, plus strand): 5'-AAGGGCACTCTTAGCAAAGTTCTGAATCTTCTTCGGCATGGTGGCACTGAAGAGCAGGGT[C>T]TGTCGCTGGCCCTGAGGAAGAGGGGGGCTGCGACCAAGGGCACACAGGGCTGGGCTGAGG-3'
Protein context (NP_057306.2, residues 360-380): TIFSYFKGQR[Gln370=]TLLFSATMPK

ClinVar aggregate classification (germline): Benign/Likely benign. Review status: criteria provided, multiple submitters, no conflicts (2 of 4 stars). 3 submissions from 3 submitters: Benign (1); Likely benign (1). 1 of the submissions does not count toward it. Last evaluated 2024-12-18.

Conditions:
DDX41-related disorder. Also called: DDX41-related condition.
Inborn genetic diseases. Identifiers: MedGen C0950123, MeSH D030342.

Allele frequency attached by ClinVar (database versions not stated): gnomAD exomes 0.00001; ExAC 0.00002.
gnomAD v4.1: 18 of 1,614,186 alleles (0.0011%); highest among the groups gnomAD compares: East Asian, 0.033%; no homozygotes.

Submissions (3):

Ambry Genetics
Classification: Benign for Inborn genetic diseases. Last evaluated: 2024-12-18. Review status: criteria provided, single submitter. Criteria: Ambry Variant Classification Scheme 2023. Collection method: clinical testing. Allele origin: germline.

Labcorp Genetics (formerly Invitae), Labcorp
Classification: Likely benign. Last evaluated: 2023-05-22. Review status: criteria provided, single submitter. Criteria: Invitae Variant Classification Sherloc (09022015). Collection method: clinical testing. Allele origin: germline.

PreventionGenetics, part of Exact Sciences
Classification: Likely benign for DDX41-related condition. Last evaluated: 2020-10-21. Review status: no assertion criteria provided. Collection method: clinical testing. Allele origin: germline. Not counted in ClinVar's aggregate classification.
Comment: This variant is classified as likely benign based on ACMG/AMP sequence variant interpretation guidelines (Richards et al. 2015 PMID: 25741868, with internal and published modifications).